The following is an entry in ClinVar:

ClinVar aggregate classification (germline): Benign (1 of 4 stars; one submission).

Conditions:
Familial cancer of breast. Also called: BREAST CANCER, FAMILIAL; Hereditary breast cancer; hereditary breast carcinoma. Identifiers: Orphanet 227535, MedGen C0346153, MONDO:0016419, OMIM 114480. Disease mechanism: loss of function.

Submission:

Myriad Genetics, Inc.
Classification: Benign for Familial cancer of breast. Last evaluated: 2024-10-01. Review status: criteria provided, single submitter. Criteria: Myriad Autosomal Dominant, Autosomal Recessive and X-Linked Classification Criteria (2023). Collection method: clinical testing. Allele origin: unknown.
Comment: This variant is considered benign. This variant occurs in the non-coding 3' untranslated region of the gene, and is not expected to impact protein function.

NM_000051.4(ATM):c.*7del

Genes: ATM (ATM serine/threonine kinase; plus strand), C11orf65 (chromosome 11 open reading frame 65; minus strand). Cytogenetic location: 11q22.3.
Variant type: Deletion.
Coding change: c.*7del on transcript NM_000051.4 (MANE Select); 7 bases downstream of the stop codon, one base deleted (G; older notation c.*7delG).
Molecular consequence: 3 prime UTR variant. On other transcripts: intron variant (2).
Genome position (GRCh38, 1-based): chr11:108,365,515, G deleted. VCF-style (leftmost placement, unchanged base first): chr11-108365514-AG-A. GRCh37 (hg19) VCF-style: chr11-108236241-AG-A.
Other names: c.*7del (NM_001351834.2); c.640+20405del (NM_001330368.2); c.694+20405del (NM_001351110.2).
Identifiers: ClinVar variation 3772958 (VCV003772958.1).